The following is an entry in ClinVar:

ClinVar aggregate classification (germline): Likely pathogenic. Review status: criteria provided, multiple submitters, no conflicts (2 of 4 stars). 3 submissions from 3 submitters: Likely pathogenic (3). Last evaluated 2026-04-14.

Conditions:
Benign recurrent intrahepatic cholestasis type 2 (BRIC2). Also called: Recurrent familial intrahepatic cholestasis 2. Identifiers: Orphanet 65682, Orphanet 99961, MedGen C2608083, MONDO:0011559, OMIM 605479.
Familial intrahepatic cholestasis. Identifiers: Orphanet 284385, MedGen CN296401, MONDO:0017290.
Progressive familial intrahepatic cholestasis type 2. Identifiers: Orphanet 79304, MedGen C3489789, MONDO:0011156, OMIM 601847.

Allele frequency attached by ClinVar (database versions not stated): gnomAD 0.00001.
gnomAD v4.1: 1 of 1,613,866 alleles (0.000062%); highest among the groups gnomAD compares: African/African-American, 0.0013%; no homozygotes.

Submissions (3):

Genomenon, Inc
Classification: Likely pathogenic for Familial intrahepatic cholestasis. Last evaluated: 2026-04-14. Review status: criteria provided, single submitter. Criteria: Genomenon Sequence Variant Interpretation Standards - Updated. Collection method: curation. Allele origin: germline. Affected: yes.
Comment: ABCB11 c.3003A>G is a synonymous variant that retains Arginine at residue 1001. This variant has been observed in at least one proband with an ABCB11-related disorder (PMID:20232290). It has been observed in trans with a pathogenic or likely pathogenic variant (PMID:20232290). At least one splicing study demonstrated that this variant results in aberrant splicing (PMID:25085279). It is absent or not present at a significant frequency in gnomAD. In conclusion, we classify ABCB11 p.Arg1001= (c.3003A>G) as a likely pathogenic variant.

Broad Center for Mendelian Genomics, Broad Institute of MIT and Harvard
Classification: Likely pathogenic for Progressive familial intrahepatic cholestasis type 2. Last evaluated: 2025-01-23. Review status: criteria provided, single submitter. Criteria: ACMG Guidelines, 2015. Collection method: curation. Allele origin: germline. Inheritance: Autosomal recessive inheritance.
Comment: The p.Arg1001= variant in ABCB11 has been reported, in the compound heterozygous state, in 1 individual with BSEP deficiency (PMID: 20232290; Variation ID: 595313), and has been identified in 0.001% (1/74928) of African/African American chromosomes by the Genome Aggregation Database (gnomAD; dbSNP rs1691763747). Although this variant has been seen in the general population in a heterozygous state, its frequency is low enough to be consistent with a recessive carrier frequency. This variant has also been reported in ClinVar (Variation ID: 2681008) and has been interpreted as likely pathogenic by Baylor Genetics. cDNA analysis performed on affected tissues shows use of a predicted out of frame cryptic splice site and aberrant splicing in a proportion of transcripts, which may impact protein function (PMID: 25085279). In summary, although additional studies are required to fully establish its clinical significance, this variant is likely pathogenic for autosomal recessive BSEP deficiency. ACMG/AMP Criteria applied: PVS1_strong, PM3, PM2_supporting (Richards 2015).

Baylor Genetics
Classification: Likely pathogenic for Benign recurrent intrahepatic cholestasis type 2. Last evaluated: 2022-11-23. Review status: criteria provided, single submitter. Criteria: ACMG Guidelines, 2015. Collection method: clinical testing. Allele origin: unknown.

Literature cited by the submitters: PubMed 20232290 (cited by Genomenon, Inc); PubMed 25085279 (cited by Genomenon, Inc).

NM_003742.4(ABCB11):c.3003A>G (p.Arg1001=)

Gene: ABCB11 (ATP binding cassette subfamily B member 11; minus strand). Cytogenetic location: 2q31.1.
Variant type: single nucleotide variant.
Coding change: c.3003A>G on transcript NM_003742.4 (MANE Select); coding-DNA position 3003, A replaced by G.
Protein change: p.Arg1001=; no amino-acid change (arginine 1001 retained).
Molecular consequence: synonymous variant.
Genome position (GRCh38, 1-based): chr2:168,935,237, T>C on the plus strand (A>G on the coding strand, the complement: ABCB11 is on the minus strand). VCF-style: chr2-168935237-T-C. GRCh37 (hg19) VCF-style: chr2-169791747-T-C.
Other names: NM_003742.4(ABCB11):c.3003A>G; p.Arg1001=.
Identifiers: ClinVar variation 2681008 (VCV002681008.3), dbSNP rs1691763747, ClinGen allele CA429913216.
Genomic context (GRCh38, chr2:168,935,237, plus strand): 5'-TCCTCACCTGAACACATAGCTGAAATGGAGCCCCTCATTGGAGATTAAGTAACCTCCATA[T>C]CTGTAGGAAGCAGAATTCGCAATAAACATGATGCACTGGGCAAAGGCAAAGCAGAATCCG-3'
Protein context (NP_003733.2, residues 991-1011): IMFIANSASY[Arg1001=]YGGYLISNEG